The following is an entry in ClinVar:

NM_000702.4(ATP1A2):c.2514G>A (p.Thr838=)

Gene: ATP1A2 (ATPase Na+/K+ transporting subunit alpha 2; plus strand). Cytogenetic location: 1q23.2.
Variant type: single nucleotide variant.
Coding change: c.2514G>A on transcript NM_000702.4 (MANE Select); coding-DNA position 2514, G replaced by A.
Protein change: p.Thr838=; no amino-acid change (threonine 838 retained).
Molecular consequence: synonymous variant.
Genome position (GRCh38, 1-based): chr1:160,136,321, G>A. VCF-style: chr1-160136321-G-A. GRCh37 (hg19) VCF-style: chr1-160106111-G-A.
Other names: p.T838T:ACG>ACA.
Identifiers: ClinVar variation 136454 (VCV000136454.14), dbSNP rs140646289, ClinGen allele CA289585.

ClinVar aggregate classification (germline): Benign/Likely benign. Review status: criteria provided, multiple submitters, no conflicts (2 of 4 stars). 9 submissions from 6 submitters: Benign (6); Likely benign (3). Last evaluated 2026-01-28.

Conditions:
ATP1A2-related disorder. Also called: ATP1A2-related condition; ATP1A2-RELATED DISORDERS.
Fetal akinesia, respiratory insufficiency, microcephaly, polymicrogyria, and dysmorphic facies. Identifiers: MedGen C5562015, MONDO:0859204, OMIM 619602.
Developmental and epileptic encephalopathy 98. Identifiers: MedGen C5562017, MONDO:0030472, OMIM 619605.
Familial hemiplegic migraine. Identifiers: MedGen C0338484, MONDO:0000700.
Alternating hemiplegia of childhood 1 (AHC1). Identifiers: Orphanet 2131, MedGen C3549447, MONDO:0007087, OMIM 104290.
Migraine, familial hemiplegic, 2. Identifiers: Orphanet 569, MedGen C1865322, MONDO:0011232, OMIM 602481.

Allele frequency attached by ClinVar (database versions not stated): gnomAD 0.00006 and 0.00007; TOPMed 0.00007; gnomAD exomes 0.00010 and 0.00026; ExAC 0.00012; ESP Exome Variant Server 0.00015; 1000 Genomes Project 30x 0.00016; 1000 Genomes Project 0.00020.
gnomAD v4.1: 376 of 1,614,190 alleles (0.023%); highest among the groups gnomAD compares: Non-Finnish European, 0.03%; 1 homozygote.

Submissions (9):

Labcorp Genetics (formerly Invitae), Labcorp
Classification: Likely benign for Familial hemiplegic migraine. Last evaluated: 2026-01-28. Review status: criteria provided, single submitter. Criteria: Invitae Variant Classification Sherloc (09022015). Collection method: clinical testing. Allele origin: germline.

PreventionGenetics, part of Exact Sciences
Classification: Likely benign for ATP1A2-related condition. Last evaluated: 2025-06-25. Review status: criteria provided, single submitter. Criteria: ACMG Guidelines, 2015. Collection method: clinical testing. Allele origin: germline.
Comment: This variant is classified as likely benign based on ACMG/AMP sequence variant interpretation guidelines (Richards et al. 2015 PMID: 25741868, with internal and published modifications).

Blueprint Genetics
Classification: Likely benign. Last evaluated: 2024-09-30. Review status: criteria provided, single submitter. Criteria: ACMG Guidelines, 2015. Collection method: clinical testing. Allele origin: germline.

Athena Diagnostics
Classification: Benign. Last evaluated: 2024-06-17. Review status: criteria provided, single submitter. Criteria: Athena Diagnostics Criteria. Collection method: clinical testing. Allele origin: unknown.

Genome-Nilou Lab
Classification: Benign for Alternating hemiplegia of childhood 1. Last evaluated: 2021-12-05. Review status: criteria provided, single submitter. Criteria: ACMG Guidelines, 2015. Collection method: clinical testing. Allele origin: germline. Affected: no.

Genome-Nilou Lab
Classification: Benign for Developmental and epileptic encephalopathy 98. Last evaluated: 2021-12-05. Review status: criteria provided, single submitter. Criteria: ACMG Guidelines, 2015. Collection method: clinical testing. Allele origin: germline. Affected: no.

Genome-Nilou Lab
Classification: Benign for Fetal akinesia, respiratory insufficiency, microcephaly, polymicrogyria, and dysmorphic facies. Last evaluated: 2021-12-05. Review status: criteria provided, single submitter. Criteria: ACMG Guidelines, 2015. Collection method: clinical testing. Allele origin: germline. Affected: no.

Genome-Nilou Lab
Classification: Benign for Migraine, familial hemiplegic, 2. Last evaluated: 2021-12-05. Review status: criteria provided, single submitter. Criteria: ACMG Guidelines, 2015. Collection method: clinical testing. Allele origin: germline. Affected: no.

GeneDx
Classification: Benign. Last evaluated: 2014-02-04. Review status: criteria provided, single submitter. Criteria: GeneDx Variant Classification (06012015). Collection method: clinical testing. Allele origin: germline. Affected: yes.
Comment: This variant is considered likely benign or benign based on one or more of the following criteria: it is a conservative change, it occurs at a poorly conserved position in the protein, it is predicted to be benign by multiple in silico algorithms, and/or has population frequency not consistent with disease.